The following is an entry in ClinVar:

ClinVar aggregate classification (germline): Uncertain significance (1 of 4 stars; one submission).

Submission:

Ambry Genetics
Classification: Uncertain significance. Last evaluated: 2023-03-18. Review status: criteria provided, single submitter. Criteria: Ambry Variant Classification Scheme 2023. Collection method: clinical testing. Allele origin: germline.
Comment: The p.G676E variant (also known as c.2027G>A), located in coding exon 4 of the TMPO gene, results from a G to A substitution at nucleotide position 2027. The glycine at codon 676 is replaced by glutamic acid, an amino acid with similar properties. This amino acid position is conserved. In addition, this alteration is predicted to be tolerated by in silico analysis. Since supporting evidence is limited at this time, the clinical significance of this alteration remains unclear.

NM_001032283.3(TMPO):c.565+2446G>A

Gene: TMPO (thymopoietin; plus strand). Cytogenetic location: 12q23.1.
Variant type: single nucleotide variant.
Coding change: c.565+2446G>A on transcript NM_001032283.3 (MANE Select); 2446 bases into the intron after coding-DNA position 565, G replaced by A.
Molecular consequence: intron variant. On other transcripts: missense variant (1).
Genome position (GRCh38, 1-based): chr12:98,534,284, G>A. VCF-style: chr12-98534284-G-A. GRCh37 (hg19) VCF-style: chr12-98928062-G-A.
Other names: c.2027G>A, p.Gly676Glu (NM_003276.2); c.565+2446G>A (NM_001307975.2, NM_001032284.3); short protein forms G676E.
Identifiers: ClinVar variation 2562955 (VCV002562955.2), dbSNP rs2548505316, ClinGen allele CA386154454.